The following is an entry in ClinVar:

NM_006031.6(PCNT):c.2265G>T (p.Met755Ile)

Gene: PCNT (pericentrin; plus strand). Cytogenetic location: 21q22.3.
Variant type: single nucleotide variant.
Coding change: c.2265G>T on transcript NM_006031.6 (MANE Select); coding-DNA position 2265, G replaced by T.
Protein change: p.Met755Ile; replaces methionine 755 with isoleucine.
Molecular consequence: missense variant.
Genome position (GRCh38, 1-based): chr21:46,363,590, G>T. VCF-style: chr21-46363590-G-T. GRCh37 (hg19) VCF-style: chr21-47783505-G-T.
Other names: c.1911G>T, p.Met637Ile (NM_001315529.2); short protein forms M755I, M637I.
Identifiers: ClinVar variation 4977801 (VCV004977801.1).

ClinVar aggregate classification (germline): Uncertain significance (1 of 4 stars; one submission).

Conditions:
PCNT-related disorder. Also called: PCNT-related condition.

Submission:

PreventionGenetics, part of Exact Sciences
Classification: Uncertain significance for PCNT-related condition. Last evaluated: 2025-09-11. Review status: criteria provided, single submitter. Criteria: ACMG Guidelines, 2015. Collection method: clinical testing. Allele origin: germline.
Comment: The PCNT c.2265G>T variant is predicted to result in the amino acid substitution p.Met755Ile. To our knowledge, this variant has not been reported in the literature or in a large population database (gnomAD), indicating this variant is rare. At this time, the clinical significance of this variant is uncertain due to the absence of conclusive functional and genetic evidence.